The following is an entry in ClinVar:

NM_016356.5(DCDC2):c.1284C>T (p.Asp428=)

Gene: DCDC2 (doublecortin domain containing 2; minus strand). Cytogenetic location: 6p22.3.
Variant type: single nucleotide variant.
Coding change: c.1284C>T on transcript NM_016356.5 (MANE Select); coding-DNA position 1284, C replaced by T.
Protein change: p.Asp428=; no amino-acid change (aspartic acid 428 retained).
Molecular consequence: synonymous variant.
Genome position (GRCh38, 1-based): chr6:24,178,372, G>A on the plus strand (C>T on the coding strand, the complement: DCDC2 is on the minus strand). VCF-style: chr6-24178372-G-A. GRCh37 (hg19) VCF-style: chr6-24178600-G-A.
Other names: c.1284C>T, p.Asp428= (NM_001195610.2).
Identifiers: ClinVar variation 4978084 (VCV004978084.1).

ClinVar aggregate classification (germline): Likely benign (1 of 4 stars; one submission).

Conditions:
DCDC2-related disorder. Also called: DCDC2-related condition.

gnomAD v4.1: 37 of 1,613,996 alleles (0.0023%); highest among the groups gnomAD compares: East Asian, 0.082%; no homozygotes.

Submission:

PreventionGenetics, part of Exact Sciences
Classification: Likely benign for DCDC2-related condition. Last evaluated: 2025-07-24. Review status: criteria provided, single submitter. Criteria: ACMG Guidelines, 2015. Collection method: clinical testing. Allele origin: germline.
Comment: This variant is classified as likely benign based on ACMG/AMP sequence variant interpretation guidelines (Richards et al. 2015 PMID: 25741868, with internal and published modifications).